The following is an entry in ClinVar:

ClinVar aggregate classification (germline): Uncertain significance (1 of 4 stars; one submission).

Submission:

Women's Health and Genetics/Laboratory Corporation of America, LabCorp
Classification: Uncertain significance. Last evaluated: 2026-05-28. Review status: criteria provided, single submitter. Criteria: LabCorp Variant Classification Summary - May 2015. Collection method: clinical testing. Allele origin: germline.
Comment: Variant summary: SCN10A c.5063C>G (p.Thr1688Ser) results in a conservative amino acid change in the encoded protein sequence. Algorithms developed to predict the effect of missense changes on protein structure and function all suggest that this variant is likely to be tolerated. The variant was absent in 251282 control chromosomes. The available data on variant occurrences in the general population are insufficient to allow any conclusion about variant significance. To our knowledge, no occurrence of c.5063C>G in individuals affected with SCN10A-related conditions and no experimental evidence demonstrating its impact on protein function have been reported. No submitters have cited clinical-significance assessments for this variant to ClinVar. Based on the evidence outlined above, the variant was classified as uncertain significance.

NM_006514.4(SCN10A):c.5063C>G (p.Thr1688Ser)

Gene: SCN10A (sodium voltage-gated channel alpha subunit 10; minus strand). Cytogenetic location: 3p22.2.
Variant type: single nucleotide variant.
Coding change: c.5063C>G on transcript NM_006514.4 (MANE Select); coding-DNA position 5063, C replaced by G.
Protein change: p.Thr1688Ser; replaces threonine 1688 with serine.
Molecular consequence: missense variant.
Genome position (GRCh38, 1-based): chr3:38,698,157, G>C on the plus strand (C>G on the coding strand, the complement: SCN10A is on the minus strand). VCF-style: chr3-38698157-G-C. GRCh37 (hg19) VCF-style: chr3-38739648-G-C.
Other names: c.5060C>G, p.Thr1687Ser (NM_001293306.2); c.4769C>G, p.Thr1590Ser (NM_001293307.2); short protein forms T1590S, T1687S, T1688S.
Identifiers: ClinVar variation 4853410 (VCV004853410.1).